The following is an entry in ClinVar:

ClinVar aggregate classification (germline): Likely pathogenic (1 of 4 stars; one submission).

Submission:

GeneDx
Classification: Likely pathogenic. Last evaluated: 2025-04-14. Review status: criteria provided, single submitter. Criteria: GeneDx Variant Classification Process June 2021. Collection method: clinical testing. Allele origin: germline. Affected: yes.
Comment: Not observed at significant frequency in large population cohorts (gnomAD); Alters the last nucleotide of the exon and is predicted to damage the splice donor site but the effect on protein function is unclear; Does not affect a cysteine or calcium-binding residue within an EGF-like domain or a TGF-binding protein domain of the FBN1 gene; cysteine substitutions in the EGF-like domains represent the majority of pathogenic missense changes associated with FBN1-related disorders (PMID: 12938084); This variant is associated with the following publications: (PMID: 12938084)

NM_000138.5(FBN1):c.6313G>C (p.Glu2105Gln)

Gene: FBN1 (fibrillin 1; minus strand). Cytogenetic location: 15q21.1.
Variant type: single nucleotide variant.
Coding change: c.6313G>C on transcript NM_000138.5 (MANE Select); coding-DNA position 6313, G replaced by C.
Protein change: p.Glu2105Gln; replaces glutamic acid 2105 with glutamine.
Molecular consequence: missense variant.
Genome position (GRCh38, 1-based): chr15:48,437,768, C>G on the plus strand (G>C on the coding strand, the complement: FBN1 is on the minus strand). VCF-style: chr15-48437768-C-G. GRCh37 (hg19) VCF-style: chr15-48729965-C-G.
Other names: p.E2105Q:GAG>CAG; short protein forms E2105Q.
Identifiers: ClinVar variation 200080 (VCV000200080.4), dbSNP rs794728247, ClinGen allele CA016334.